The following is an entry in ClinVar:

ClinVar aggregate classification (germline): Uncertain significance (1 of 4 stars; one submission).

Conditions:
Hereditary cancer-predisposing syndrome. Also called: Neoplastic Syndromes, Hereditary; Tumor predisposition; Hereditary Cancer Syndrome; Hereditary neoplastic syndrome. Identifiers: Orphanet 140162, MedGen C0027672, MeSH D009386, MONDO:0015356.

Submission:

Ambry Genetics
Classification: Uncertain significance for Hereditary cancer-predisposing syndrome. Last evaluated: 2025-06-26. Review status: criteria provided, single submitter. Criteria: Ambry Variant Classification Scheme 2023. Collection method: clinical testing. Allele origin: germline.
Comment: The p.E572G variant (also known as c.1715A>G), located in coding exon 9 of the BRCA1 gene, results from an A to G substitution at nucleotide position 1715. The glutamic acid at codon 572 is replaced by glycine, an amino acid with similar properties. This amino acid position is well conserved in available vertebrate species. In addition, this alteration is predicted to be deleterious by in silico analysis. Based on the available evidence, the clinical significance of this variant remains unclear.

NM_007294.4(BRCA1):c.1715A>G (p.Glu572Gly)

Gene: BRCA1 (BRCA1 DNA repair associated; minus strand). Cytogenetic location: 17q21.31.
Variant type: single nucleotide variant.
Coding change: c.1715A>G on transcript NM_007294.4 (MANE Select); coding-DNA position 1715, A replaced by G.
Protein change: p.Glu572Gly; replaces glutamic acid 572 with glycine.
Molecular consequence: missense variant. On other transcripts: intron variant (137).
Genome position (GRCh38, 1-based): chr17:43,093,816, T>C on the plus strand (A>G on the coding strand, the complement: BRCA1 is on the minus strand). VCF-style: chr17-43093816-T-C. GRCh37 (hg19) VCF-style: chr17-41245833-T-C.
Other names: c.1451A>G, p.Glu484Gly (NM_001407920.1, NM_001407921.1, NM_001407922.1 and 9 more transcripts); c.643+928A>G (NM_001408468.1, NM_001408465.1, NM_001408463.1 and 3 more transcripts); c.523+928A>G (NM_001408501.1, NM_001408500.1, NM_001408497.1 and 3 more transcripts); c.646+928A>G (NM_001408455.1, NM_001408466.1, NM_001408452.1 and 11 more transcripts); c.1448A>G, p.Glu483Gly (NM_001407932.1, NM_001407934.1, NM_001407936.1 and 2 more transcripts); c.577+928A>G (NM_001408513.1, NM_001408489.1, NM_001408479.1 and 9 more transcripts); c.520+928A>G (NM_001408503.1, NM_001408505.1, NM_001408504.1); c.454+928A>G (NM_001408502.1); and 40 more; short protein forms E444G, E461G, E505G, E530G, E545G, E546G, E572G, E276G.
Identifiers: ClinVar variation 4215069 (VCV004215069.1).